The following is an entry in ClinVar:

NM_002180.3(IGHMBP2):c.711+164C>T

Gene: IGHMBP2 (immunoglobulin mu DNA binding protein 2; plus strand). Cytogenetic location: 11q13.3.
Variant type: single nucleotide variant.
Coding change: c.711+164C>T on transcript NM_002180.3 (MANE Select); 164 bases into the intron after coding-DNA position 711, C replaced by T.
Molecular consequence: intron variant.
Genome position (GRCh38, 1-based): chr11:68,911,767, C>T. VCF-style: chr11-68911767-C-T. GRCh37 (hg19) VCF-style: chr11-68679235-C-T.
Identifiers: ClinVar variation 2498524 (VCV002498524.28), dbSNP rs117135302, ClinGen allele CA13385889.

ClinVar aggregate classification (germline): Likely benign (1 of 4 stars; one submission).

Allele frequency attached by ClinVar (database versions not stated): 1000 Genomes Project 0.00479; 1000 Genomes Project 30x 0.00500; gnomAD 0.00538; TOPMed 0.00551.
gnomAD v4.1: 830 of 152,372 alleles (0.54%); highest among the groups gnomAD compares: Admixed American, 0.9%; 6 homozygotes.

Submission:

CeGaT Center for Human Genetics Tuebingen
Classification: Likely benign. Last evaluated: 2023-06-01. Review status: criteria provided, single submitter. Criteria: CeGaT Center For Human Genetics Tuebingen Variant Classification Criteria Version 2. Collection method: clinical testing. Allele origin: germline. Affected: yes. Observed: 7 variant alleles.
Comment: IGHMBP2: BS2